The following is an entry in ClinVar:

NM_001286.5(CLCN6):c.1402T>G (p.Phe468Val)

Gene: CLCN6 (chloride voltage-gated channel 6; plus strand). Cytogenetic location: 1p36.22.
Variant type: single nucleotide variant.
Coding change: c.1402T>G on transcript NM_001286.5 (MANE Select); coding-DNA position 1402, T replaced by G.
Protein change: p.Phe468Val; replaces phenylalanine 468 with valine.
Molecular consequence: missense variant. On other transcripts: non-coding transcript variant (1).
Genome position (GRCh38, 1-based): chr1:11,833,906, T>G. VCF-style: chr1-11833906-T-G. GRCh37 (hg19) VCF-style: chr1-11893963-T-G.
Other names: c.1336T>G, p.Phe446Val (NM_001256959.2); short protein forms F446V, F468V.
Identifiers: ClinVar variation 1461833 (VCV001461833.6), dbSNP rs1232247075, ClinGen allele CA338435297.

ClinVar aggregate classification (germline): Uncertain significance (1 of 4 stars; one submission).

Allele frequency attached by ClinVar (database versions not stated): gnomAD exomes 0.00001; gnomAD 0.00002; TOPMed 0.00002.
gnomAD v4.1: 11 of 1,613,094 alleles (0.00068%); highest among the groups gnomAD compares: Non-Finnish European, 0.00093%; no homozygotes.

Submission:

Labcorp Genetics (formerly Invitae), Labcorp
Classification: Uncertain significance. Last evaluated: 2026-01-26. Review status: criteria provided, single submitter. Criteria: Invitae Variant Classification Sherloc (09022015). Collection method: clinical testing. Allele origin: germline.
Comment: This sequence change replaces phenylalanine, which is neutral and non-polar, with valine, which is neutral and non-polar, at codon 468 of the CLCN6 protein (p.Phe468Val). This variant is present in population databases (no rsID available, gnomAD 0.0009%). This variant has not been reported in the literature in individuals affected with CLCN6-related conditions. ClinVar contains an entry for this variant (Variation ID: 1461833). An algorithm developed to predict the effect of missense changes on protein structure and function (PolyPhen-2) suggests that this variant is likely to be disruptive. In summary, the available evidence is currently insufficient to determine the role of this variant in disease. Therefore, it has been classified as a Variant of Uncertain Significance.